The following is an entry in ClinVar:

ClinVar aggregate classification (germline): Benign/Likely benign. Review status: criteria provided, multiple submitters, no conflicts (2 of 4 stars). 3 submissions from 3 submitters: Benign (2); Likely benign (1). Last evaluated 2026-01-05.

Conditions:
Retinitis pigmentosa (RP). Identifiers: Orphanet 791, MedGen C0035334, MeSH D012174, MONDO:0019200, OMIM 268000. Inheritance: Autosomal dominant, autosomal recessive and X linked inheritance.

Allele frequency attached by ClinVar (database versions not stated): gnomAD exomes 0.00076; ExAC 0.00093; gnomAD 0.00255 and 0.00267; TOPMed 0.00284; 1000 Genomes Project 0.00359; ESP Exome Variant Server 0.00361; 1000 Genomes Project 30x 0.00406.
gnomAD v4.1: 1,040 of 1,614,224 alleles (0.064%); highest among the groups gnomAD compares: African/African-American, 0.92%; 4 homozygotes.

Submissions (3):

Labcorp Genetics (formerly Invitae), Labcorp
Classification: Benign. Last evaluated: 2026-01-05. Review status: criteria provided, single submitter. Criteria: Invitae Variant Classification Sherloc (09022015). Collection method: clinical testing. Allele origin: germline.

Blueprint Genetics
Classification: Likely benign. Last evaluated: 2024-09-09. Review status: criteria provided, single submitter. Criteria: ACMG Guidelines, 2015. Collection method: clinical testing. Allele origin: germline.

Illumina Laboratory Services, Illumina
Classification: Benign for Retinitis pigmentosa. Last evaluated: 2018-01-13. Review status: criteria provided, single submitter. Criteria: ICSL Variant Classification Criteria 13 December 2019. Collection method: clinical testing. Allele origin: germline.
Comment: This variant was observed in the ICSL laboratory as part of a predisposition screen in an ostensibly healthy population. It had not been previously curated by ICSL or reported in the Human Gene Mutation Database (HGMD: prior to June 1st, 2018), and was therefore a candidate for classification through an automated scoring system. Utilizing variant allele frequency, disease prevalence and penetrance estimates, and inheritance mode, an automated score was calculated to assess if this variant is too frequent to cause the disease. Based on the score and internal cut-off values, a variant classified as benign is not then subjected to further curation. The score for this variant resulted in a classification of benign for this disease.

NM_014014.5(SNRNP200):c.5418C>T (p.Asp1806=)

Gene: SNRNP200 (small nuclear ribonucleoprotein U5 subunit 200; minus strand). Cytogenetic location: 2q11.2.
Variant type: single nucleotide variant.
Coding change: c.5418C>T on transcript NM_014014.5 (MANE Select); coding-DNA position 5418, C replaced by T.
Protein change: p.Asp1806=; no amino-acid change (aspartic acid 1806 retained).
Molecular consequence: synonymous variant.
Genome position (GRCh38, 1-based): chr2:96,278,617, G>A on the plus strand (C>T on the coding strand, the complement: SNRNP200 is on the minus strand). VCF-style: chr2-96278617-G-A. GRCh37 (hg19) VCF-style: chr2-96944355-G-A.
Identifiers: ClinVar variation 337533 (VCV000337533.16), dbSNP rs72937669, ClinGen allele CA1777979.
Genomic context (GRCh38, chr2:96,278,617, plus strand): 5'-GTAGTTGATGTAATAGTAGGCGGCGATCATGCCTAGGTTCAGAGGCGCCACGTCCATCTC[G>A]TCCTCGATGCTGATGCACTTGGACTGCTCCAGGTCACTCAGGGTCTGCTCCACCAGCTCT-3'
Protein context (NP_054733.2, residues 1796-1816): LEQSKCISIE[Asp1806=]EMDVAPLNLG